The following is an entry in ClinVar:

ClinVar aggregate classification (germline): Uncertain significance. Review status: criteria provided, single submitter (1 of 4 stars). 2 submissions from 2 submitters: Uncertain significance (1). 1 of the submissions does not count toward it. Last evaluated 2024-05-31.

Conditions:
ALK-related disorder. Also called: ALK-related condition.
Neuroblastoma, susceptibility to, 3. Also called: ALK-Related Neuroblastic Tumor Susceptibility. Identifiers: Orphanet 635, MedGen C2751681, MONDO:0013083, OMIM 613014.

Submissions (2):

Labcorp Genetics (formerly Invitae), Labcorp
Classification: Uncertain significance for Neuroblastoma, susceptibility to, 3. Last evaluated: 2024-05-31. Review status: criteria provided, single submitter. Criteria: Invitae Variant Classification Sherloc (09022015). Collection method: clinical testing. Allele origin: germline.
Comment: This sequence change affects codon 953 of the ALK mRNA. It is a 'silent' change, meaning that it does not change the encoded amino acid sequence of the ALK protein. This variant is not present in population databases (gnomAD no frequency). This variant has not been reported in the literature in individuals affected with ALK-related conditions. Algorithms developed to predict the effect of sequence changes on RNA splicing suggest that this variant may disrupt the consensus splice site. In summary, the available evidence is currently insufficient to determine the role of this variant in disease. Therefore, it has been classified as a Variant of Uncertain Significance.

PreventionGenetics, part of Exact Sciences
Classification: Likely benign for ALK-related condition. Last evaluated: 2022-05-31. Review status: no assertion criteria provided. Collection method: clinical testing. Allele origin: germline. Not counted in ClinVar's aggregate classification.
Comment: This variant is classified as likely benign based on ACMG/AMP sequence variant interpretation guidelines (Richards et al. 2015 PMID: 25741868, with internal and published modifications).

NM_004304.5(ALK):c.2859A>G (p.Glu953=)

Gene: ALK (ALK receptor tyrosine kinase; minus strand). Cytogenetic location: 2p23.2.
Variant type: single nucleotide variant.
Coding change: c.2859A>G on transcript NM_004304.5 (MANE Select); coding-DNA position 2859, A replaced by G.
Protein change: p.Glu953=; no amino-acid change (glutamic acid 953 retained).
Molecular consequence: synonymous variant.
Genome position (GRCh38, 1-based): chr2:29,227,629, T>C on the plus strand (A>G on the coding strand, the complement: ALK is on the minus strand). VCF-style: chr2-29227629-T-C. GRCh37 (hg19) VCF-style: chr2-29450495-T-C.
Identifiers: ClinVar variation 3055044 (VCV003055044.4), dbSNP rs2465973584, ClinGen allele CA425436153.
Genomic context (GRCh38, chr2:29,227,629, plus strand): 5'-GCTACCTTTTAAAGCTGGGGTGTACAGGATGCCCAGTGGACTGATGAAGGAAACCCCATC[T>C]TCCCCATCCATTTCGGGGTCATTGTTTGAGGCTGCATTGCCGCCTGAGTAGCAAACCAGA-3'
Protein context (NP_004295.2, residues 943-963): ASNNDPEMDG[Glu953=]DGVSFISPLG